The following is an entry in ClinVar:

NM_001318895.3(FHL2):c.475G>A (p.Ala159Thr)

Genes: C2orf49 (chromosome 2 open reading frame 49; plus strand), FHL2 (four and a half LIM domains 2; minus strand). Cytogenetic location: 2q12.2.
Variant type: single nucleotide variant.
Coding change: c.475G>A on transcript NM_001318895.3 (MANE Select); coding-DNA position 475, G replaced by A.
Protein change: p.Ala159Thr; replaces alanine 159 with threonine.
Molecular consequence: missense variant.
Genome position (GRCh38, 1-based): chr2:105,367,596, C>T on the plus strand (G>A on the coding strand, the complement: FHL2 is on the minus strand). VCF-style: chr2-105367596-C-T. GRCh37 (hg19) VCF-style: chr2-105984053-C-T.
Other names: c.475G>A, p.Ala159Thr (NM_001039492.3, NM_001318894.1, NM_001318896.2 and 4 more transcripts); c.133G>A, p.Ala45Thr (NM_001318897.2, NM_001318898.2); c.151G>A, p.Ala51Thr (NM_001318899.2); short protein forms A45T, A51T, A159T.
Identifiers: ClinVar variation 1035781 (VCV001035781.5), dbSNP rs1680725217, ClinGen allele CA347999499.

ClinVar aggregate classification (germline): Uncertain significance (1 of 4 stars; one submission).

Conditions:
Primary dilated cardiomyopathy (DCM). Also called: Dilated Cardiomyopathy. Identifiers: Orphanet 217604, MedGen C0007193, MeSH D002311, MONDO:0005021, HP:0001644. Inheritance: Various modes of inheritance.

Submission:

Labcorp Genetics (formerly Invitae), Labcorp
Classification: Uncertain significance for Primary dilated cardiomyopathy. Last evaluated: 2020-03-17. Review status: criteria provided, single submitter. Criteria: Invitae Variant Classification Sherloc (09022015). Collection method: clinical testing. Allele origin: germline.
Comment: This sequence change replaces alanine with threonine at codon 159 of the FHL2 protein (p.Ala159Thr). The alanine residue is highly conserved and there is a small physicochemical difference between alanine and threonine. This variant is not present in population databases (ExAC no frequency). This variant has not been reported in the literature in individuals with FHL2-related conditions. Algorithms developed to predict the effect of missense changes on protein structure and function (SIFT, PolyPhen-2, Align-GVGD) all suggest that this variant is likely to be disruptive, but these predictions have not been confirmed by published functional studies and their clinical significance is uncertain. In summary, the available evidence is currently insufficient to determine the role of this variant in disease. Therefore, it has been classified as a Variant of Uncertain Significance.